The following is an entry in ClinVar:

ClinVar aggregate classification (germline): Conflicting classifications of pathogenicity. Review status: criteria provided, conflicting classifications (1 of 4 stars). 4 submissions from 4 submitters: Uncertain significance (3); Likely benign (1). Last evaluated 2025-09-08.

Conditions:
Spinocerebellar ataxia type 42. Identifiers: Orphanet 458803, MedGen C4225205, MONDO:0014776, OMIM 616795.
Inborn genetic diseases. Identifiers: MedGen C0950123, MeSH D030342.

Allele frequency attached by ClinVar (database versions not stated): ExAC 0.00001; gnomAD 0.00002; TOPMed 0.00002.
gnomAD v4.1: 107 of 1,610,704 alleles (0.0066%); highest among the groups gnomAD compares: Non-Finnish European, 0.0081%; no homozygotes.

Submissions (4):

Labcorp Genetics (formerly Invitae), Labcorp
Classification: Likely benign. Last evaluated: 2025-09-08. Review status: criteria provided, single submitter. Criteria: Invitae Variant Classification Sherloc (09022015). Collection method: clinical testing. Allele origin: germline.

GeneDx
Classification: Uncertain significance. Last evaluated: 2024-05-03. Review status: criteria provided, single submitter. Criteria: GeneDx Variant Classification Process June 2021. Collection method: clinical testing. Allele origin: germline. Affected: yes.
Comment: In silico analysis supports that this missense variant has a deleterious effect on protein structure/function; Has not been previously published as pathogenic or benign to our knowledge

Ambry Genetics
Classification: Uncertain significance for Inborn genetic diseases. Last evaluated: 2024-01-02. Review status: criteria provided, single submitter. Criteria: Ambry Variant Classification Scheme 2023. Collection method: clinical testing. Allele origin: germline.

Department of Pathology and Laboratory Medicine, Sinai Health System
Classification: Uncertain significance for spinocerebellar ataxia type 42. Last evaluated: 2021-11-24. Review status: criteria provided, single submitter. Criteria: ACMG Guidelines, 2015. Collection method: research. Allele origin: germline.

NM_018896.5(CACNA1G):c.865C>T (p.Arg289Cys)

Gene: CACNA1G (calcium voltage-gated channel subunit alpha1 G; plus strand). Cytogenetic location: 17q21.33.
Variant type: single nucleotide variant.
Coding change: c.865C>T on transcript NM_018896.5 (MANE Select); coding-DNA position 865, C replaced by T.
Protein change: p.Arg289Cys; replaces arginine 289 with cysteine.
Molecular consequence: missense variant. On other transcripts: non-coding transcript variant (5).
Genome position (GRCh38, 1-based): chr17:50,572,672, C>T. VCF-style: chr17-50572672-C-T. GRCh37 (hg19) VCF-style: chr17-48650033-C-T.
Other names: c.865C>T (NM_018896.3, NM_018896.4); c.865C>T, p.Arg289Cys (NM_001256324.2, NM_001256325.2, NM_001256326.2 and 24 more transcripts); short protein forms R289C.
Identifiers: ClinVar variation 2418541 (VCV002418541.9), dbSNP rs761241506, ClinGen allele CA8652051.